The following is an entry in ClinVar:

ClinVar aggregate classification (germline): Likely pathogenic (1 of 4 stars; one submission).

Conditions:
Glycogen storage disease type III (GSD3). Also called: FORBES DISEASE; Cori disease. Identifiers: Orphanet 366, MedGen C0017922, MONDO:0009291, OMIM 232400.

Submission:

Kariminejad - Najmabadi Pathology & Genetics Center
Classification: Likely pathogenic for Glycogen storage disease type III. Last evaluated: 2023-11-03. Review status: criteria provided, single submitter. Criteria: ACMG Guidelines, 2015. Collection method: clinical testing. Allele origin: germline. Inheritance: Autosomal recessive inheritance. Affected: yes.
Comment: PVS1,PM2

NM_000642.3(AGL):c.3351T>G (p.Tyr1117Ter)

Gene: AGL (amylo-alpha-1,6-glucosidase and 4-alpha-glucanotransferase; plus strand). Cytogenetic location: 1p21.2.
Variant type: single nucleotide variant.
Coding change: c.3351T>G on transcript NM_000642.3 (MANE Select); coding-DNA position 3351, T replaced by G.
Protein change: p.Tyr1117Ter; replaces tyrosine 1117 with a stop codon.
Molecular consequence: nonsense.
Genome position (GRCh38, 1-based): chr1:99,896,377, T>G. VCF-style: chr1-99896377-T-G. GRCh37 (hg19) VCF-style: chr1-100361933-T-G.
Other names: c.3351T>G, p.Tyr1117Ter (NM_000028.3, NM_000643.3, NM_000644.3 and 1 more transcripts); c.3303T>G, p.Tyr1101Ter (NM_000646.3); c.3330T>G, p.Tyr1110Ter (NM_001425326.1); c.3150T>G, p.Tyr1050Ter (NM_001425327.1); c.3147T>G, p.Tyr1049Ter (NM_001425328.1); c.3012T>G, p.Tyr1004Ter (NM_001425329.1); c.2973T>G, p.Tyr991Ter (NM_001425332.1); short protein forms Y1004*, Y1049*, Y1050*, Y1101*, Y1110*, Y1117*, Y991*.
Identifiers: ClinVar variation 3896773 (VCV003896773.1).
Genomic context (GRCh38, chr1:99,896,377, plus strand): 5'-CTGCTGGGGAAGGGATACTTTTATTGCACTTAGAGGTATACTGCTGATTACTGGACGCTA[T>G]GTAGAAGCCAGGTAGGAGAGCCTCTAAAGTGTTGTACTGCGAGTTTATGTCTGAATGTCT-3'